The following is an entry in ClinVar:

NM_001378454.1(ALMS1):c.9772G>T (p.Gly3258Cys)

Gene: ALMS1 (ALMS1 centrosome and basal body associated protein; plus strand). Cytogenetic location: 2p13.1.
Variant type: single nucleotide variant.
Coding change: c.9772G>T on transcript NM_001378454.1 (MANE Select); coding-DNA position 9772, G replaced by T.
Protein change: p.Gly3258Cys; replaces glycine 3258 with cysteine.
Molecular consequence: missense variant.
Genome position (GRCh38, 1-based): chr2:73,520,007, G>T. VCF-style: chr2-73520007-G-T. GRCh37 (hg19) VCF-style: chr2-73747134-G-T.
Other names: c.9775G>T, p.Gly3259Cys (NM_015120.4); short protein forms G3259C, G3258C.
Identifiers: ClinVar variation 937174 (VCV000937174.1), dbSNP rs769100528, ClinGen allele CA347281435.

ClinVar aggregate classification (germline): Uncertain significance (1 of 4 stars; one submission).

Conditions:
Alstrom syndrome (ALMS). Identifiers: Orphanet 64, MedGen C0268425, MONDO:0008763, OMIM 203800.

Submission:

Labcorp Genetics (formerly Invitae), Labcorp
Classification: Uncertain significance for Alstrom syndrome. Last evaluated: 2019-10-13. Review status: criteria provided, single submitter. Criteria: Invitae Variant Classification Sherloc (09022015). Collection method: clinical testing. Allele origin: germline.
Comment: This sequence change replaces glycine with cysteine at codon 3259 of the ALMS1 protein (p.Gly3259Cys). The glycine residue is highly conserved and there is a large physicochemical difference between glycine and cysteine. This variant is not present in population databases (ExAC no frequency). This variant has not been reported in the literature in individuals with ALMS1-related conditions. Algorithms developed to predict the effect of missense changes on protein structure and function are either unavailable or do not agree on the potential impact of this missense change (SIFT: "Deleterious"; PolyPhen-2: "Not Available"; Align-GVGD: "Class C0"). In summary, the available evidence is currently insufficient to determine the role of this variant in disease. Therefore, it has been classified as a Variant of Uncertain Significance.